The following is an entry in ClinVar:

ClinVar aggregate classification (germline): Uncertain significance. Review status: criteria provided, multiple submitters, no conflicts (2 of 4 stars). 4 submissions from 4 submitters: Uncertain significance (4). Last evaluated 2024-12-03.

Conditions:
Inborn genetic diseases. Identifiers: MedGen C0950123, MeSH D030342.
Microcephaly 7, primary, autosomal recessive. Identifiers: Orphanet 2512, MedGen C2675187, MONDO:0012989, OMIM 612703.
Intellectual disability. Also called: Intellectual functioning disability; intellectual disabilities; Intellectual developmental disorder. Identifiers: MedGen C3714756, MeSH D008607, MONDO:0001071, HP:0001249.

Allele frequency attached by ClinVar (database versions not stated): gnomAD 0.00011 and 0.00010; TOPMed 0.00015; ExAC 0.00021; gnomAD exomes 0.00019; ESP Exome Variant Server 0.00015.
gnomAD v4.1: 293 of 1,614,080 alleles (0.018%); highest among the groups gnomAD compares: Non-Finnish European, 0.023%; no homozygotes.

Submissions (4):

Labcorp Genetics (formerly Invitae), Labcorp
Classification: Uncertain significance. Last evaluated: 2024-12-03. Review status: criteria provided, single submitter. Criteria: Invitae Variant Classification Sherloc (09022015). Collection method: clinical testing. Allele origin: germline.
Comment: This sequence change replaces aspartic acid, which is acidic and polar, with asparagine, which is neutral and polar, at codon 1191 of the STIL protein (p.Asp1191Asn). This variant is present in population databases (rs369376550, gnomAD 0.03%). This variant has not been reported in the literature in individuals affected with STIL-related conditions. ClinVar contains an entry for this variant (Variation ID: 297550). Invitae Evidence Modeling of protein sequence and biophysical properties (such as structural, functional, and spatial information, amino acid conservation, physicochemical variation, residue mobility, and thermodynamic stability) indicates that this missense variant is not expected to disrupt STIL protein function with a negative predictive value of 80%. In summary, the available evidence is currently insufficient to determine the role of this variant in disease. Therefore, it has been classified as a Variant of Uncertain Significance.

Ambry Genetics
Classification: Uncertain significance for Inborn genetic diseases. Last evaluated: 2021-01-27. Review status: criteria provided, single submitter. Criteria: Ambry Variant Classification Scheme 2023. Collection method: clinical testing. Allele origin: germline.
Comment: The c.3571G>A (p.D1191N) alteration is located in exon 17 (coding exon 16) of the STIL gene. This alteration results from a G to A substitution at nucleotide position 3571, causing the aspartic acid (D) at amino acid position 1191 to be replaced by an asparagine (N). The p.D1191N alteration is predicted to be tolerated by in silico analysis. Based on insufficient or conflicting evidence, the clinical significance of this alteration remains unclear.

Diagnostic Laboratory, Strasbourg University Hospital
Classification: Uncertain significance for Intellectual disability. Last evaluated: 2020-09-10. Review status: criteria provided, single submitter. Criteria: ACMG Guidelines, 2015. Collection method: clinical testing. Allele origin: inherited. Affected: yes. Observed: 1 homozygote.

Illumina Laboratory Services, Illumina
Classification: Uncertain significance for Microcephaly 7, primary, autosomal recessive. Last evaluated: 2018-01-13. Review status: criteria provided, single submitter. Criteria: ICSL Variant Classification Criteria 13 December 2019. Collection method: clinical testing. Allele origin: germline.

NM_001048166.1(STIL):c.3574G>A (p.Asp1192Asn)

Gene: STIL (STIL centriolar assembly protein; minus strand). Cytogenetic location: 1p33.
Variant type: single nucleotide variant.
Coding change: c.3574G>A on transcript NM_001048166.1 (MANE Select); coding-DNA position 3574, G replaced by A.
Protein change: p.Asp1192Asn; replaces aspartic acid 1192 with asparagine.
Molecular consequence: missense variant.
Genome position (GRCh38, 1-based): chr1:47,251,429, C>T on the plus strand (G>A on the coding strand, the complement: STIL is on the minus strand). VCF-style: chr1-47251429-C-T. GRCh37 (hg19) VCF-style: chr1-47717101-C-T.
Other names: c.3571G>A, p.Asp1191Asn (NM_001282936.1, NM_003035.2); c.3520G>A, p.Asp1174Asn (NM_001282937.1); c.3433G>A, p.Asp1145Asn (NM_001282938.1); c.3379G>A, p.Asp1127Asn (NM_001282939.1); short protein forms D1192N, D1191N, D1145N, D1127N, D1174N.
Identifiers: ClinVar variation 297550 (VCV000297550.14), dbSNP rs369376550, ClinGen allele CA841950.
Genomic context (GRCh38, chr1:47,251,429, plus strand): 5'-ACTGCTGTTTTGCTTTTGTCTGCAAAACTTCATTTGTAATATTTCTCAATACTGGCGTAT[C>T]TGCGTTGGTCCCCACAGATTCACAGTTAGAACAATTAATTATTTCATGGTCATTCTTAGA-3'
Protein context (NP_001041631.1, residues 1182-1202): SNCESVGTNA[Asp1192Asn]TPVLRNITNE